The following is an entry in ClinVar:

ClinVar aggregate classification (germline): Uncertain significance (1 of 4 stars; one submission).

Submission:

Greenwood Genetic Center Diagnostic Laboratories, Greenwood Genetic Center
Classification: Uncertain significance. Last evaluated: 2024-04-11. Review status: criteria provided, single submitter. Criteria: ACMG Guidelines, 2015. Collection method: clinical testing. Allele origin: germline. Affected: yes.
Comment: Gene of Uncertain Significance

NM_183337.3(RGS11):c.407G>T (p.Gly136Val)

Gene: RGS11 (regulator of G protein signaling 11; minus strand). Cytogenetic location: 16p13.3.
Variant type: single nucleotide variant.
Coding change: c.407G>T on transcript NM_183337.3 (MANE Select); coding-DNA position 407, G replaced by T.
Protein change: p.Gly136Val; replaces glycine 136 with valine.
Molecular consequence: missense variant. On other transcripts: 5 prime UTR variant (1).
Genome position (GRCh38, 1-based): chr16:274,065, C>A on the plus strand (G>T on the coding strand, the complement: RGS11 is on the minus strand). VCF-style: chr16-274065-C-A. GRCh37 (hg19) VCF-style: chr16-324065-C-A.
Other names: c.374G>T, p.Gly125Val (NM_001286485.2); c.-77G>T (NM_001286486.2); c.344G>T, p.Gly115Val (NM_003834.3); short protein forms G115V, G125V, G136V.
Identifiers: ClinVar variation 3338585 (VCV003338585.1).